The following is an entry in ClinVar:

ClinVar aggregate classification (germline): Uncertain significance (1 of 4 stars; one submission).

gnomAD v4.1: 1 of 1,420,482 alleles (0.00007%); highest among the groups gnomAD compares: Non-Finnish European, 0.000093%; no homozygotes.

Submission:

GeneDx
Classification: Uncertain significance. Last evaluated: 2024-05-13. Review status: criteria provided, single submitter. Criteria: GeneDx Variant Classification Process June 2021. Collection method: clinical testing. Allele origin: germline. Affected: yes.
Comment: Not observed at significant frequency in large population cohorts (gnomAD); Has not been previously published as pathogenic or benign to our knowledge; In silico analysis is inconclusive as to whether the variant alters gene splicing. In the absence of RNA/functional studies, the actual effect of this sequence change is unknown.

NM_032188.3(KAT8):c.180G>T (p.Thr60=)

Gene: KAT8 (lysine acetyltransferase 8; plus strand). Cytogenetic location: 16p11.2.
Variant type: single nucleotide variant.
Coding change: c.180G>T on transcript NM_032188.3 (MANE Select); coding-DNA position 180, G replaced by T.
Protein change: p.Thr60=; no amino-acid change (threonine 60 retained).
Molecular consequence: synonymous variant.
Genome position (GRCh38, 1-based): chr16:31,117,861, G>T. VCF-style: chr16-31117861-G-T. GRCh37 (hg19) VCF-style: chr16-31129182-G-T.
Other names: c.180G>T, p.Thr60= (NM_182958.4).
Identifiers: ClinVar variation 3378334 (VCV003378334.1).